The following is an entry in ClinVar:

NM_000384.3(APOB):c.10511T>C (p.Val3504Ala)

Gene: APOB (apolipoprotein B; minus strand). Cytogenetic location: 2p24.1.
Variant type: single nucleotide variant.
Coding change: c.10511T>C on transcript NM_000384.3 (MANE Select); coding-DNA position 10511, T replaced by C.
Protein change: p.Val3504Ala; replaces valine 3504 with alanine.
Molecular consequence: missense variant.
Genome position (GRCh38, 1-based): chr2:21,006,357, A>G on the plus strand (T>C on the coding strand, the complement: APOB is on the minus strand). VCF-style: chr2-21006357-A-G. GRCh37 (hg19) VCF-style: chr2-21229229-A-G.
Other names: short protein forms V3504A.
Identifiers: ClinVar variation 922431 (VCV000922431.7), dbSNP rs1663137529, ClinGen allele CA345986374.

ClinVar aggregate classification (germline): Uncertain significance. Review status: criteria provided, multiple submitters, no conflicts (2 of 4 stars). 2 submissions from 2 submitters: Uncertain significance (2). Last evaluated 2025-02-04.

Allele frequency attached by ClinVar (database versions not stated): gnomAD exomes below 0.00001.
gnomAD v4.1: 8 of 1,614,028 alleles (0.0005%); highest among the groups gnomAD compares: Middle Eastern, 0.017%; no homozygotes.

Submissions (2):

Quest Diagnostics Nichols Institute San Juan Capistrano
Classification: Uncertain significance. Last evaluated: 2025-02-04. Review status: criteria provided, single submitter. Criteria: Quest Diagnostics criteria. Collection method: clinical testing. Allele origin: unknown.
Comment: The APOB c.10511T>C (p.Val3504Ala) variant has not been reported in individuals with APOB-related conditions in the published literature. It also has not been reported in large, multi-ethnic general populations (Genome Aggregation Database). Analysis of this variant using bioinformatics tools for the prediction of the effect of amino acid changes on protein structure and function yielded conflicting predictions that this variant is benign or damaging. Based on the available information, we are unable to determine the clinical significance of this variant.

GeneDx
Classification: Uncertain significance. Last evaluated: 2022-03-15. Review status: criteria provided, single submitter. Criteria: GeneDx Variant Classification Process June 2021. Collection method: clinical testing. Allele origin: germline. Affected: yes.
Comment: Not observed at significant frequency in large population cohorts (gnomAD); In silico analysis supports that this missense variant has a deleterious effect on protein structure/function; Has not been previously published as pathogenic or benign to our knowledge